The following is an entry in ClinVar:

NM_000088.4(COL1A1):c.962dup (p.Arg322fs)

Gene: COL1A1 (collagen type I alpha 1 chain; minus strand). Cytogenetic location: 17q21.33.
Variant type: Duplication.
Coding change: c.962dup on transcript NM_000088.4 (MANE Select); coding-DNA position 962, one base duplicated (C; older notation c.962dupC).
Protein change: p.Arg322fs; shifts the reading frame from arginine 322.
Molecular consequence: frameshift variant.
Genome position (GRCh38, 1-based): chr17:50,196,195, G duplicated on the plus strand (C on the coding strand, the reverse complement: COL1A1 is on the minus strand). VCF-style (leftmost placement, unchanged base first): chr17-50196194-A-AG. GRCh37 (hg19) VCF-style: chr17-48273555-A-AG.
Other names: c.962dupC (NM_000088.3); short protein forms R322fs.
Identifiers: ClinVar variation 526857 (VCV000526857.7), dbSNP rs1555574319, ClinGen allele CA658798900.

ClinVar aggregate classification (germline): Pathogenic (1 of 4 stars; one submission).

Conditions:
Osteogenesis imperfecta type I (OI1). Also called: Osteogenesis imperfecta type 1; OI, TYPE I; OSTEOGENESIS IMPERFECTA TARDA; OSTEOGENESIS IMPERFECTA WITH BLUE SCLERAE; Lobstein's Disease; Lobstein disease. Identifiers: Orphanet 216796, Orphanet 666, MedGen C0023931, MONDO:0008146, OMIM 166200. Disease mechanism: loss of function.

Submission:

Labcorp Genetics (formerly Invitae), Labcorp
Classification: Pathogenic for Osteogenesis imperfecta type I. Last evaluated: 2017-12-15. Review status: criteria provided, single submitter. Criteria: Invitae Variant Classification Sherloc (09022015). Collection method: clinical testing. Allele origin: germline.
Comment: For these reasons, this variant has been classified as Pathogenic. Loss-of-function variants in COL1A1 are known to be pathogenic (PMID: 7942841, 9295084, 9443882). This variant has not been reported in the literature in individuals with COL1A1-related disease. This variant is not present in population databases (ExAC no frequency). This sequence change creates a premature translational stop signal (p.Arg322Serfs*4) in the COL1A1 gene. It is expected to result in an absent or disrupted protein product.

Literature cited by the submitters: PubMed 7942841; PubMed 9295084; PubMed 9443882.